The following is an entry in ClinVar:

ClinVar aggregate classification (germline): Uncertain significance (1 of 4 stars; one submission).

Conditions:
Hereditary cancer-predisposing syndrome. Also called: Hereditary neoplastic syndrome; Neoplastic Syndromes, Hereditary; Tumor predisposition; Hereditary Cancer Syndrome. Identifiers: Orphanet 140162, MedGen C0027672, MeSH D009386, MONDO:0015356.

gnomAD v4.1: 1 of 1,614,072 alleles (0.000062%); highest among the groups gnomAD compares: African/African-American, 0.0013%; no homozygotes.

Submission:

Ambry Genetics
Classification: Uncertain significance for Hereditary cancer-predisposing syndrome. Last evaluated: 2025-08-15. Review status: criteria provided, single submitter. Criteria: Ambry Variant Classification Scheme 2023. Collection method: clinical testing. Allele origin: germline.
Comment: The p.Q637H variant (also known as c.1911G>C), located in coding exon 19 of the RB1 gene, results from a G to C substitution at nucleotide position 1911. The glutamine at codon 637 is replaced by histidine, an amino acid with highly similar properties. This amino acid position is conserved. In addition, this alteration is predicted to be tolerated by in silico analysis. Based on the available evidence, the clinical significance of this variant remains unclear.

NM_000321.3(RB1):c.1911G>C (p.Gln637His)

Gene: RB1 (RB transcriptional corepressor 1; plus strand). Cytogenetic location: 13q14.2.
Variant type: single nucleotide variant.
Coding change: c.1911G>C on transcript NM_000321.3 (MANE Select); coding-DNA position 1911, G replaced by C.
Protein change: p.Gln637His; replaces glutamine 637 with histidine.
Molecular consequence: missense variant.
Genome position (GRCh38, 1-based): chr13:48,456,300, G>C. VCF-style: chr13-48456300-G-C. GRCh37 (hg19) VCF-style: chr13-49030436-G-C.
Other names: c.1911G>C, p.Gln637His (NM_001407165.1); short protein forms Q637H.
Identifiers: ClinVar variation 4151159 (VCV004151159.1).
Genomic context (GRCh38, chr13:48,456,300, plus strand): 5'-TTCAACTACGCGTGTAAATTCTACTGCAAATGCAGAGACACAAGCAACCTCAGCCTTCCA[G>C]ACCCAGAAGCCATTGAAATCTACCTCTCTTTCACTGTTTTATAAAAAAGGTTAGTAGATG-3'
Protein context (NP_000312.2, residues 627-647): NAETQATSAF[Gln637His]TQKPLKSTSL